The following is an entry in ClinVar:

NM_003998.4(NFKB1):c.2537A>G (p.Asn846Ser)

Gene: NFKB1 (nuclear factor kappa B subunit 1; plus strand). Cytogenetic location: 4q24.
Variant type: single nucleotide variant.
Coding change: c.2537A>G on transcript NM_003998.4 (MANE Select); coding-DNA position 2537, A replaced by G.
Protein change: p.Asn846Ser; replaces asparagine 846 with serine.
Molecular consequence: missense variant.
Genome position (GRCh38, 1-based): chr4:102,612,551, A>G. VCF-style: chr4-102612551-A-G. GRCh37 (hg19) VCF-style: chr4-103533708-A-G.
Other names: c.2534A>G, p.Asn845Ser (NM_001165412.2, NM_001319226.2); c.2537A>G (NM_003998.3); short protein forms N845S, N846S.
Identifiers: ClinVar variation 871106 (VCV000871106.46), dbSNP rs1297155609, ClinGen allele CA357754822.
Genomic context (GRCh38, chr4:102,612,551, plus strand): 5'-TTCCTGATCCAGACAAAAACTGGGCTACTCTGGCGCAGAAATTAGGTCTGGGGATACTTA[A>G]TAATGCCTTCCGGCTGAGTCCTGCTCCTTCCAAAACACTTATGGACAACTATGAGGTAAC-3'
Protein context (NP_003989.2, residues 836-856): LAQKLGLGIL[Asn846Ser]NAFRLSPAPS

ClinVar aggregate classification (germline): Uncertain significance. Review status: criteria provided, multiple submitters, no conflicts (2 of 4 stars). 3 submissions from 3 submitters: Uncertain significance (3). Last evaluated 2022-10-04.

Conditions:
Inborn genetic diseases. Identifiers: MedGen C0950123, MeSH D030342.

Allele frequency attached by ClinVar (database versions not stated): gnomAD exomes below 0.00001.

Submissions (3):

Ambry Genetics
Classification: Uncertain significance for Inborn genetic diseases. Last evaluated: 2022-10-04. Review status: criteria provided, single submitter. Criteria: Ambry Variant Classification Scheme 2023. Collection method: clinical testing. Allele origin: germline.

Labcorp Genetics (formerly Invitae), Labcorp
Classification: Uncertain significance. Last evaluated: 2022-05-09. Review status: criteria provided, single submitter. Criteria: Invitae Variant Classification Sherloc (09022015). Collection method: clinical testing. Allele origin: germline.
Comment: In summary, the available evidence is currently insufficient to determine the role of this variant in disease. Therefore, it has been classified as a Variant of Uncertain Significance. Algorithms developed to predict the effect of missense changes on protein structure and function are either unavailable or do not agree on the potential impact of this missense change (SIFT: "Deleterious"; PolyPhen-2: "Benign"; Align-GVGD: "Class C0"). ClinVar contains an entry for this variant (Variation ID: 871106). This variant has not been reported in the literature in individuals affected with NFKB1-related conditions. This variant is not present in population databases (gnomAD no frequency). This sequence change replaces asparagine, which is neutral and polar, with serine, which is neutral and polar, at codon 846 of the NFKB1 protein (p.Asn846Ser).

CeGaT Center for Human Genetics Tuebingen
Classification: Uncertain significance. Last evaluated: 2019-11-01. Review status: criteria provided, single submitter. Criteria: CeGaT Center For Human Genetics Tuebingen Variant Classification Criteria Version 2. Collection method: clinical testing. Allele origin: germline. Affected: yes. Observed: 1 variant allele.